The following is an entry in ClinVar:

ClinVar aggregate classification (germline): Uncertain significance (1 of 4 stars; one submission).

Allele frequency attached by ClinVar (database versions not stated): TOPMed 0.00001; ExAC 0.00002; gnomAD 0.00003; 1000 Genomes Project 30x 0.00016; 1000 Genomes Project 0.00020.
gnomAD v4.1: 23 of 1,613,574 alleles (0.0014%); highest among the groups gnomAD compares: Middle Eastern, 0.017%; no homozygotes.

Submission:

Labcorp Genetics (formerly Invitae), Labcorp
Classification: Uncertain significance. Last evaluated: 2022-01-11. Review status: criteria provided, single submitter. Criteria: Invitae Variant Classification Sherloc (09022015). Collection method: clinical testing. Allele origin: germline.
Comment: This sequence change replaces arginine, which is basic and polar, with cysteine, which is neutral and slightly polar, at codon 478 of the INSR protein (p.Arg478Cys). This variant is present in population databases (rs556950372, gnomAD 0.01%). This variant has not been reported in the literature in individuals affected with INSR-related conditions. Algorithms developed to predict the effect of missense changes on protein structure and function are either unavailable or do not agree on the potential impact of this missense change (SIFT: "Not Available"; PolyPhen-2: "Probably Damaging"; Align-GVGD: "Not Available"). In summary, the available evidence is currently insufficient to determine the role of this variant in disease. Therefore, it has been classified as a Variant of Uncertain Significance.

NM_000208.4(INSR):c.1432C>T (p.Arg478Cys)

Gene: INSR (insulin receptor; minus strand). Cytogenetic location: 19p13.2.
Variant type: single nucleotide variant.
Coding change: c.1432C>T on transcript NM_000208.4 (MANE Select); coding-DNA position 1432, C replaced by T.
Protein change: p.Arg478Cys; replaces arginine 478 with cysteine.
Molecular consequence: missense variant.
Genome position (GRCh38, 1-based): chr19:7,170,588, G>A on the plus strand (C>T on the coding strand, the complement: INSR is on the minus strand). VCF-style: chr19-7170588-G-A. GRCh37 (hg19) VCF-style: chr19-7170599-G-A.
Other names: c.1432C>T, p.Arg478Cys (NM_001079817.3); short protein forms R478C.
Identifiers: ClinVar variation 1979515 (VCV001979515.4), dbSNP rs556950372, ClinGen allele CA9135840.